The following is an entry in ClinVar:

NM_016938.5(EFEMP2):c.810A>G (p.Pro270=)

Gene: EFEMP2 (EGF-like fibulin extracellular matrix protein 2; minus strand). Cytogenetic location: 11q13.1.
Variant type: single nucleotide variant.
Coding change: c.810A>G on transcript NM_016938.5 (MANE Select); coding-DNA position 810, A replaced by G.
Protein change: p.Pro270=; no amino-acid change (proline 270 retained).
Molecular consequence: synonymous variant. On other transcripts: non-coding transcript variant (1).
Genome position (GRCh38, 1-based): chr11:65,868,547, T>C on the plus strand (A>G on the coding strand, the complement: EFEMP2 is on the minus strand). VCF-style: chr11-65868547-T-C. GRCh37 (hg19) VCF-style: chr11-65636018-T-C.
Other names: p.Pro270=.
Identifiers: ClinVar variation 472833 (VCV000472833.17), dbSNP rs150546623, ClinGen allele CA6110521.

ClinVar aggregate classification (germline): Likely benign. Review status: criteria provided, multiple submitters, no conflicts (2 of 4 stars). 6 submissions from 6 submitters: Likely benign (5). 1 of the submissions does not count toward it. Last evaluated 2026-01-03.

Conditions:
EFEMP2-related disorder. Also called: EFEMP2-related condition.
Cardiovascular phenotype. Identifiers: MedGen CN230736.
Cutis laxa, autosomal recessive, type 1B (ARCL1B). Also called: CUTIS LAXA, AUTOSOMAL RECESSIVE, TYPE IB; EFEMP2-Related Cutis Laxa. Identifiers: Orphanet 90349, MedGen C3280798, MONDO:0013754, OMIM 614437. Disease mechanism: loss of function.

Allele frequency attached by ClinVar (database versions not stated): gnomAD exomes 0.00013 and 0.00019; TOPMed 0.00014; gnomAD 0.00016 and 0.00017; ExAC 0.00017; ESP Exome Variant Server 0.00038.
gnomAD v4.1: 299 of 1,613,870 alleles (0.019%); highest among the groups gnomAD compares: Non-Finnish European, 0.024%; no homozygotes.

Submissions (6):

Labcorp Genetics (formerly Invitae), Labcorp
Classification: Likely benign for Cutis laxa, autosomal recessive, type 1B. Last evaluated: 2026-01-03. Review status: criteria provided, single submitter. Criteria: Invitae Variant Classification Sherloc (09022015). Collection method: clinical testing. Allele origin: germline.

Mayo Clinic Laboratories, Mayo Clinic
Classification: Likely benign. Last evaluated: 2025-10-21. Review status: criteria provided, single submitter. Criteria: ACMG Guidelines, 2015. Collection method: clinical testing. Allele origin: germline. Observed: 1 variant allele.
Comment: BP4, BP7

Women's Health and Genetics/Laboratory Corporation of America, LabCorp
Classification: Likely benign. Last evaluated: 2023-12-11. Review status: criteria provided, single submitter. Criteria: LabCorp Variant Classification Summary - May 2015. Collection method: clinical testing. Allele origin: germline.

GeneDx
Classification: Likely benign. Last evaluated: 2020-09-23. Review status: criteria provided, single submitter. Criteria: GeneDx Variant Classification Process June 2021. Collection method: clinical testing. Allele origin: germline. Affected: yes.

Ambry Genetics
Classification: Likely benign for Cardiovascular phenotype. Last evaluated: 2019-04-14. Review status: criteria provided, single submitter. Criteria: Ambry Variant Classification Scheme 2023. Collection method: clinical testing. Allele origin: germline.

PreventionGenetics, part of Exact Sciences
Classification: Likely benign for EFEMP2-related condition. Last evaluated: 2019-07-30. Review status: no assertion criteria provided. Collection method: clinical testing. Allele origin: germline. Not counted in ClinVar's aggregate classification.
Comment: This variant is classified as likely benign based on ACMG/AMP sequence variant interpretation guidelines (Richards et al. 2015 PMID: 25741868, with internal and published modifications).